The following is an entry in ClinVar:

NM_014141.6(CNTNAP2):c.2237A>T (p.Asp746Val)

Gene: CNTNAP2 (contactin associated protein 2; plus strand). Cytogenetic location: 7q35.
Variant type: single nucleotide variant.
Coding change: c.2237A>T on transcript NM_014141.6 (MANE Select); coding-DNA position 2237, A replaced by T.
Protein change: p.Asp746Val; replaces aspartic acid 746 with valine.
Molecular consequence: missense variant.
Genome position (GRCh38, 1-based): chr7:147,903,703, A>T. VCF-style: chr7-147903703-A-T. GRCh37 (hg19) VCF-style: chr7-147600795-A-T.
Other names: short protein forms D746V.
Identifiers: ClinVar variation 3360848 (VCV003360848.1).
Genomic context (GRCh38, chr7:147,903,703, plus strand): 5'-AGAAATGTGCCTGCGGCATCGAACGCAACTGCACAGATCCCAAGTACTACTGTAACTGCG[A>T]CGCGGACTACAAGCAATGGTGAGTGCCTGCGGGCAGCACAGCCAGGCTCACCCTCCCAGT-3'
Protein context (NP_054860.1, residues 736-756): CTDPKYYCNC[Asp746Val]ADYKQWRKDA

ClinVar aggregate classification (germline): Uncertain significance (1 of 4 stars; one submission).

gnomAD v4.1: 1 of 1,613,746 alleles (0.000062%); highest among the groups gnomAD compares: African/African-American, 0.0013%; no homozygotes.

Submission:

GeneDx
Classification: Uncertain significance. Last evaluated: 2023-07-11. Review status: criteria provided, single submitter. Criteria: GeneDx Variant Classification Process June 2021. Collection method: clinical testing. Allele origin: germline. Affected: yes.
Comment: Not observed at significant frequency in large population cohorts (gnomAD); In silico analysis supports that this missense variant has a deleterious effect on protein structure/function; Has not been previously published as pathogenic or benign to our knowledge